The following is an entry in ClinVar:

ClinVar aggregate classification (germline): Uncertain significance (1 of 4 stars; one submission).

Submission:

Women's Health and Genetics/Laboratory Corporation of America, LabCorp
Classification: Uncertain significance. Last evaluated: 2026-05-28. Review status: criteria provided, single submitter. Criteria: LabCorp Variant Classification Summary - May 2015. Collection method: clinical testing. Allele origin: germline.
Comment: Variant summary: GRIA3 c.696+5G>T alters a nucleotide located close to a canonical splice site and therefore could affect mRNA splicing, leading to a significantly altered protein sequence. Several computational tools predict a significant impact on normal splicing: Four predict the variant weakens the canonical 5' donor site. One predict the variant no significant impact on splicing. However, these predictions have yet to be confirmed by functional studies. The variant was absent in 182919 control chromosomes. The available data on variant occurrences in the general population are insufficient to allow any conclusion about variant significance. To our knowledge, no occurrence of c.696+5G>T in individuals affected with GRIA3-related conditions and no experimental evidence demonstrating its impact on protein function have been reported. No submitters have cited clinical-significance assessments for this variant to ClinVar. Based on the evidence outlined above, the variant was classified as uncertain significance.

NM_007325.5(GRIA3):c.696+5G>T

Gene: GRIA3 (glutamate ionotropic receptor AMPA type subunit 3; plus strand). Cytogenetic location: Xq25.
Variant type: single nucleotide variant.
Coding change: c.696+5G>T on transcript NM_007325.5 (MANE Select); 5 bases into the intron after coding-DNA position 696, G replaced by T.
Molecular consequence: intron variant.
Genome position (GRCh38, 1-based): chrX:123,326,218, G>T. VCF-style: chrX-123326218-G-T. GRCh37 (hg19) VCF-style: chrX-122460069-G-T.
Other names: c.696+5G>T (NM_000828.5).
Identifiers: ClinVar variation 4853378 (VCV004853378.1).